The following is an entry in ClinVar:

ClinVar aggregate classification (germline): Conflicting classifications of pathogenicity. Review status: criteria provided, conflicting classifications (1 of 4 stars). 2 submissions from 2 submitters: Uncertain significance (1); Likely benign (1). Last evaluated 2022-11-19.

Conditions:
ACACB-related disorder. Also called: ACACB-related condition.

Allele frequency attached by ClinVar (database versions not stated): TOPMed 0.00053; gnomAD 0.00057 and 0.00054; 1000 Genomes Project 0.00120; 1000 Genomes Project 30x 0.00109; ExAC 0.00038; ESP Exome Variant Server 0.00046.

Submissions (2):

PreventionGenetics, part of Exact Sciences
Classification: Uncertain significance for ACACB-related condition. Last evaluated: 2022-11-19. Review status: criteria provided, single submitter. Criteria: ACMG Guidelines, 2015. Collection method: clinical testing. Allele origin: germline.
Comment: The ACACB c.3597G>A variant is not predicted to result in an amino acid change (p.=). This variant is predicted to activate a cryptic acceptor site within the exon and may result in aberrant splicing (Alamut Visual Plus v1.6.1). To our knowledge, this variant has not been reported in the literature. This variant is reported in 0.14% of alleles in individuals of African descent in gnomAD, which is likely too common for an undocumented disease-causing variant. Although we suspect this variant may be benign, at this time its clinical significance is uncertain due to the absence of conclusive functional and genetic evidence.

Labcorp Genetics (formerly Invitae), Labcorp
Classification: Likely benign. Last evaluated: 2018-04-30. Review status: criteria provided, single submitter. Criteria: Invitae Variant Classification Sherloc (09022015). Collection method: clinical testing. Allele origin: germline.

NM_001093.4(ACACB):c.3597G>A (p.Ser1199=)

Gene: ACACB (acetyl-CoA carboxylase beta; plus strand). Cytogenetic location: 12q24.11.
Variant type: single nucleotide variant.
Coding change: c.3597G>A on transcript NM_001093.4 (MANE Select); coding-DNA position 3597, G replaced by A.
Protein change: p.Ser1199=; no amino-acid change (serine 1199 retained).
Molecular consequence: synonymous variant.
Genome position (GRCh38, 1-based): chr12:109,222,539, G>A. VCF-style: chr12-109222539-G-A. GRCh37 (hg19) VCF-style: chr12-109660344-G-A.
Identifiers: ClinVar variation 721190 (VCV000721190.4), dbSNP rs148241794, ClinGen allele CA6774056.